The following is an entry in ClinVar:

NM_003737.4(DCHS1):c.1441C>T (p.Pro481Ser)

Gene: DCHS1 (dachsous cadherin-related 1; minus strand). Cytogenetic location: 11p15.4.
Variant type: single nucleotide variant.
Coding change: c.1441C>T on transcript NM_003737.4 (MANE Select); coding-DNA position 1441, C replaced by T.
Protein change: p.Pro481Ser; replaces proline 481 with serine.
Molecular consequence: missense variant.
Genome position (GRCh38, 1-based): chr11:6,640,173, G>A on the plus strand (C>T on the coding strand, the complement: DCHS1 is on the minus strand). VCF-style: chr11-6640173-G-A. GRCh37 (hg19) VCF-style: chr11-6661404-G-A.
Other names: c.1441C>T (NM_003737.2); short protein forms P481S.
Identifiers: ClinVar variation 1921874 (VCV001921874.7), dbSNP rs140464593, ClinGen allele CA217302772.
Genomic context (GRCh38, chr11:6,640,173, plus strand): 5'-CAGGATCCCGAGCAGTCACCCGCACTACAAAGCTGCCAGGCAGCGCAACCTCAGGCAGGG[G>A]CTCAGGTCGGTAGAGCTGGCGGTCAAAGGCAGGTGCATTGTCGTTGACATCAGTGACGTG-3'
Protein context (NP_003728.1, residues 471-491): AFDRQLYRPE[Pro481Ser]LPEVALPGSF

ClinVar aggregate classification (germline): Uncertain significance. Review status: criteria provided, multiple submitters, no conflicts (2 of 4 stars). 2 submissions from 2 submitters: Uncertain significance (2). Last evaluated 2023-02-28.

Conditions:
Inborn genetic diseases. Identifiers: MedGen C0950123, MeSH D030342.

Allele frequency attached by ClinVar (database versions not stated): gnomAD exomes 0.00001; TOPMed 0.00004; gnomAD 0.00005; ESP Exome Variant Server 0.00008.
gnomAD v4.1: 18 of 1,613,748 alleles (0.0011%); highest among the groups gnomAD compares: Middle Eastern, 0.049%; no homozygotes.

Submissions (2):

Ambry Genetics
Classification: Uncertain significance for Inborn genetic diseases. Last evaluated: 2023-02-28. Review status: criteria provided, single submitter. Criteria: Ambry Variant Classification Scheme 2023. Collection method: clinical testing. Allele origin: germline.

Labcorp Genetics (formerly Invitae), Labcorp
Classification: Uncertain significance. Last evaluated: 2022-08-27. Review status: criteria provided, single submitter. Criteria: Invitae Variant Classification Sherloc (09022015). Collection method: clinical testing. Allele origin: germline.
Comment: In summary, the available evidence is currently insufficient to determine the role of this variant in disease. Therefore, it has been classified as a Variant of Uncertain Significance. This sequence change replaces proline, which is neutral and non-polar, with serine, which is neutral and polar, at codon 481 of the DCHS1 protein (p.Pro481Ser). This variant is present in population databases (rs140464593, gnomAD 0.008%). This variant has not been reported in the literature in individuals affected with DCHS1-related conditions. Advanced modeling of protein sequence and biophysical properties (such as structural, functional, and spatial information, amino acid conservation, physicochemical variation, residue mobility, and thermodynamic stability) performed at Invitae indicates that this missense variant is not expected to disrupt DCHS1 protein function.